The following is an entry in ClinVar:

ClinVar aggregate classification (germline): Uncertain significance (1 of 4 stars; one submission).

Conditions:
Cortical dysplasia-focal epilepsy syndrome (PTHSL1). Also called: Pitt-Hopkins-like syndrome 1. Identifiers: Orphanet 163681, Orphanet 221150, MedGen C2750246, MONDO:0012400, OMIM 610042.

Allele frequency attached by ClinVar (database versions not stated): gnomAD exomes below 0.00001.
gnomAD v4.1: 4 of 1,614,184 alleles (0.00025%); highest among the groups gnomAD compares: Non-Finnish European, 0.00034%; no homozygotes.

Submission:

Labcorp Genetics (formerly Invitae), Labcorp
Classification: Uncertain significance for Cortical dysplasia-focal epilepsy syndrome. Last evaluated: 2021-08-05. Review status: criteria provided, single submitter. Criteria: Invitae Variant Classification Sherloc (09022015). Collection method: clinical testing. Allele origin: germline.
Comment: In summary, the available evidence is currently insufficient to determine the role of this variant in disease. Therefore, it has been classified as a Variant of Uncertain Significance. Algorithms developed to predict the effect of missense changes on protein structure and function output the following: SIFT: "Tolerated"; PolyPhen-2: "Benign"; Align-GVGD: "Class C0". The valine amino acid residue is found in multiple mammalian species, which suggests that this missense change does not adversely affect protein function. This variant has not been reported in the literature in individuals affected with CNTNAP2-related conditions. This variant is not present in population databases (ExAC no frequency). This sequence change replaces isoleucine with valine at codon 98 of the CNTNAP2 protein (p.Ile98Val). The isoleucine residue is weakly conserved and there is a small physicochemical difference between isoleucine and valine.

NM_014141.6(CNTNAP2):c.292A>G (p.Ile98Val)

Gene: CNTNAP2 (contactin associated protein 2; plus strand). Cytogenetic location: 7q35.
Variant type: single nucleotide variant.
Coding change: c.292A>G on transcript NM_014141.6 (MANE Select); coding-DNA position 292, A replaced by G.
Protein change: p.Ile98Val; replaces isoleucine 98 with valine.
Molecular consequence: missense variant.
Genome position (GRCh38, 1-based): chr7:146,839,794, A>G. VCF-style: chr7-146839794-A-G. GRCh37 (hg19) VCF-style: chr7-146536886-A-G.
Other names: short protein forms I98V.
Identifiers: ClinVar variation 1372821 (VCV001372821.6), dbSNP rs760112389, ClinGen allele CA168652901.